The following is an entry in ClinVar:

NM_025243.4(SLC19A3):c.312G>T (p.Lys104Asn)

Gene: SLC19A3 (solute carrier family 19 member 3; minus strand). Cytogenetic location: 2q36.3.
Variant type: single nucleotide variant.
Coding change: c.312G>T on transcript NM_025243.4 (MANE Select); coding-DNA position 312, G replaced by T.
Protein change: p.Lys104Asn; replaces lysine 104 with asparagine.
Molecular consequence: missense variant.
Genome position (GRCh38, 1-based): chr2:227,699,403, C>A on the plus strand (G>T on the coding strand, the complement: SLC19A3 is on the minus strand). VCF-style: chr2-227699403-C-A. GRCh37 (hg19) VCF-style: chr2-228564119-C-A.
Other names: c.312G>T, p.Lys104Asn (NM_001371411.1, NM_001371412.1); c.300G>T, p.Lys100Asn (NM_001371413.1, NM_001371414.1); short protein forms K100N, K104N.
Identifiers: ClinVar variation 2106995 (VCV002106995.4), dbSNP rs1342774605, ClinGen allele CA350877485.
Genomic context (GRCh38, chr2:227,699,403, plus strand): 5'-GTAGTAGGCCACCTCGGCGGCGGTGACCATCCCATAGAAGAACTCTACAACCTGCATGGT[C>A]TTCACTCCTTGGCCAAACAACAGCAGCAGCCAGGTAATGATGAAACTGATACCTTGCAAG-3'
Protein context (NP_079519.1, residues 94-114): WLLLLFGQGV[Lys104Asn]TMQVVEFFYG

ClinVar aggregate classification (germline): Uncertain significance (1 of 4 stars; one submission).

Conditions:
Biotin-responsive basal ganglia disease (BTBGD). Also called: THIAMINE METABOLISM DYSFUNCTION SYNDROME 2 (BIOTIN- AND THIAMINE-RESPONSIVE TYPE); Thiamine Transporter-2 Deficiency; Thiamine metabolism dysfunction syndrome 2 (biotin- or thiamine-responsive encephalopathy type 2); thiamine-responsive encephalopathy; Thiamine metabolism dysfunction syndrome type 2. Identifiers: Orphanet 199348, Orphanet 65284, MedGen C1843807, MONDO:0011841, OMIM 607483.

Allele frequency attached by ClinVar (database versions not stated): gnomAD exomes below 0.00001.
gnomAD v4.1: 1 of 1,614,168 alleles (0.000062%); highest among the groups gnomAD compares: Non-Finnish European, 0.000085%; no homozygotes.

Submission:

Labcorp Genetics (formerly Invitae), Labcorp
Classification: Uncertain significance for Biotin-responsive basal ganglia disease. Last evaluated: 2022-07-25. Review status: criteria provided, single submitter. Criteria: Invitae Variant Classification Sherloc (09022015). Collection method: clinical testing. Allele origin: germline.
Comment: In summary, the available evidence is currently insufficient to determine the role of this variant in disease. Therefore, it has been classified as a Variant of Uncertain Significance. Advanced modeling of protein sequence and biophysical properties (such as structural, functional, and spatial information, amino acid conservation, physicochemical variation, residue mobility, and thermodynamic stability) performed at Invitae indicates that this missense variant is not expected to disrupt SLC19A3 protein function. This variant has not been reported in the literature in individuals affected with SLC19A3-related conditions. This variant is present in population databases (no rsID available, gnomAD 0.0009%). This sequence change replaces lysine, which is basic and polar, with asparagine, which is neutral and polar, at codon 104 of the SLC19A3 protein (p.Lys104Asn).